The following is an entry in ClinVar:

NM_000081.4(LYST):c.8059G>A (p.Glu2687Lys)

Gene: LYST (lysosomal trafficking regulator; minus strand). Cytogenetic location: 1q42.3.
Variant type: single nucleotide variant.
Coding change: c.8059G>A on transcript NM_000081.4 (MANE Select); coding-DNA position 8059, G replaced by A.
Protein change: p.Glu2687Lys; replaces glutamic acid 2687 with lysine.
Molecular consequence: missense variant.
Genome position (GRCh38, 1-based): chr1:235,744,071, C>T on the plus strand (G>A on the coding strand, the complement: LYST is on the minus strand). VCF-style: chr1-235744071-C-T. GRCh37 (hg19) VCF-style: chr1-235907371-C-T.
Other names: c.8059G>A, p.Glu2687Lys (NM_001301365.1); short protein forms E2687K.
Identifiers: ClinVar variation 2155158 (VCV002155158.2), dbSNP rs1301726344, ClinGen allele CA344924949.
Genomic context (GRCh38, chr1:235,744,071, plus strand): 5'-TAAAAATTTCTTTCTGAAATGGATTGAAAACAGAAGACTGTTCATGATGAATATTTTCCT[C>T]AGAAATTTCGGTCTGGAAAACTGAGGTCTTGCTTTGAGTTACATTTTCTGGAGTTCTCAA-3'
Protein context (NP_000072.2, residues 2677-2697): KTSVFQTEIS[Glu2687Lys]ENIHHEQSSV

ClinVar aggregate classification (germline): Uncertain significance (1 of 4 stars; one submission).

Conditions:
Chédiak-Higashi syndrome (CHS). Also called: Chediak-Higashi Syndrome. Identifiers: Orphanet 167, MedGen C0007965, MONDO:0008963, OMIM 214500.

Allele frequency attached by ClinVar (database versions not stated): gnomAD 0.00001; gnomAD exomes 0.00001; TOPMed 0.00001.
gnomAD v4.1: 7 of 1,598,036 alleles (0.00044%); highest among the groups gnomAD compares: Admixed American, 0.01%; no homozygotes.

Submission:

Labcorp Genetics (formerly Invitae), Labcorp
Classification: Uncertain significance for Chédiak-Higashi syndrome. Last evaluated: 2023-11-13. Review status: criteria provided, single submitter. Criteria: Invitae Variant Classification Sherloc (09022015). Collection method: clinical testing. Allele origin: germline.
Comment: This sequence change replaces glutamic acid, which is acidic and polar, with lysine, which is basic and polar, at codon 2687 of the LYST protein (p.Glu2687Lys). This variant is present in population databases (no rsID available, gnomAD 0.004%). This variant has not been reported in the literature in individuals affected with LYST-related conditions. ClinVar contains an entry for this variant (Variation ID: 2155158). Advanced modeling of protein sequence and biophysical properties (such as structural, functional, and spatial information, amino acid conservation, physicochemical variation, residue mobility, and thermodynamic stability) performed at Invitae indicates that this missense variant is not expected to disrupt LYST protein function with a negative predictive value of 80%. In summary, the available evidence is currently insufficient to determine the role of this variant in disease. Therefore, it has been classified as a Variant of Uncertain Significance.